The following is an entry in ClinVar:

NM_001098.3(ACO2):c.1139-1G>T

Gene: ACO2 (aconitase 2; plus strand). Cytogenetic location: 22q13.2.
Variant type: single nucleotide variant.
Coding change: c.1139-1G>T on transcript NM_001098.3 (MANE Select); the canonical splice acceptor site of the intron before coding-DNA position 1139, G replaced by T.
Molecular consequence: splice acceptor variant.
Genome position (GRCh38, 1-based): chr22:41,522,829, G>T. VCF-style: chr22-41522829-G-T. GRCh37 (hg19) VCF-style: chr22-41918833-G-T.
Identifiers: ClinVar variation 2053643 (VCV002053643.4), dbSNP rs2518229658, ClinGen allele CA411724574.
Genomic context (GRCh38, chr22:41,522,829, plus strand): 5'-GTGGAGACCTCTGCTCACTGTCTCCTCCTGACCCTTAACCCCACCACCCACAATGCACCA[G>T]GTCTAATTGGTAGCTGCACCAATTCAAGCTATGAAGATATGGGGCGCTCAGCAGCTGTGG-3'

ClinVar aggregate classification (germline): Likely pathogenic (1 of 4 stars; one submission).

Submission:

Labcorp Genetics (formerly Invitae), Labcorp
Classification: Likely pathogenic. Last evaluated: 2022-08-16. Review status: criteria provided, single submitter. Criteria: Invitae Variant Classification Sherloc (09022015). Collection method: clinical testing. Allele origin: germline.
Comment: In summary, the currently available evidence indicates that the variant is pathogenic, but additional data are needed to prove that conclusively. Therefore, this variant has been classified as Likely Pathogenic. Algorithms developed to predict the effect of sequence changes on RNA splicing suggest that this variant may disrupt the consensus splice site. This variant has not been reported in the literature in individuals affected with ACO2-related conditions. This variant is not present in population databases (gnomAD no frequency). This sequence change affects an acceptor splice site in intron 9 of the ACO2 gene. It is expected to disrupt RNA splicing. Variants that disrupt the donor or acceptor splice site typically lead to a loss of protein function (PMID: 16199547), and loss-of-function variants in ACO2 are known to be pathogenic (PMID: 30689204, 32519519).

Literature cited by the submitters: PubMed 16199547; PubMed 30689204; PubMed 32519519.